The following is an entry in ClinVar:

NM_021167.5(GATAD1):c.140G>C (p.Gly47Ala)

Genes: GATAD1 (GATA zinc finger domain containing 1; plus strand), LOC129998793 (ATAC-STARR-seq lymphoblastoid silent region 18371; plus strand). Cytogenetic location: 7q21.2.
Variant type: single nucleotide variant.
Coding change: c.140G>C on transcript NM_021167.5 (MANE Select); coding-DNA position 140, G replaced by C.
Protein change: p.Gly47Ala; replaces glycine 47 with alanine.
Molecular consequence: missense variant. On other transcripts: non-coding transcript variant (1).
Genome position (GRCh38, 1-based): chr7:92,447,869, G>C. VCF-style: chr7-92447869-G-C. GRCh37 (hg19) VCF-style: chr7-92077183-G-C.
Other names: short protein forms G47A.
Identifiers: ClinVar variation 4857891 (VCV004857891.1).

ClinVar aggregate classification (germline): Uncertain significance (1 of 4 stars; one submission).

Conditions:
Cardiovascular phenotype. Identifiers: MedGen CN230736.

gnomAD v4.1: 3 of 1,359,744 alleles (0.00022%); highest among the groups gnomAD compares: East Asian, 0.0094%; no homozygotes.

Submission:

Ambry Genetics
Classification: Uncertain significance for Cardiovascular phenotype. Last evaluated: 2026-06-12. Review status: criteria provided, single submitter. Criteria: Ambry Variant Classification Scheme 2023. Collection method: clinical testing. Allele origin: germline.
Comment: The p.G47A variant (also known as c.140G>C), located in coding exon 1 of the GATAD1 gene, results from a G to C substitution at nucleotide position 140. The glycine at codon 47 is replaced by alanine, an amino acid with similar properties. This amino acid position is conserved. In addition, the in silico prediction for this alteration is inconclusive. Based on the available evidence, the clinical significance of this variant remains unclear.